The following is an entry in ClinVar:

ClinVar aggregate classification (germline): Uncertain significance (1 of 4 stars; one submission).

Conditions:
Cohen syndrome (COH1). Also called: PEPPER SYNDROME; Cutis verticis gyrata, retinitis pigmentosa, and sensorineural deafness. Identifiers: Orphanet 193, MedGen C0265223, MONDO:0008999, OMIM 216550.

Submission:

Labcorp Genetics (formerly Invitae), Labcorp
Classification: Uncertain significance for Cohen syndrome. Last evaluated: 2021-11-30. Review status: criteria provided, single submitter. Criteria: Invitae Variant Classification Sherloc (09022015). Collection method: clinical testing. Allele origin: germline.
Comment: Algorithms developed to predict the effect of missense changes on protein structure and function are either unavailable or do not agree on the potential impact of this missense change (SIFT: "Not Available"; PolyPhen-2: "Probably Damaging"; Align-GVGD: "Not Available"). In summary, the available evidence is currently insufficient to determine the role of this variant in disease. Therefore, it has been classified as a Variant of Uncertain Significance. This variant has not been reported in the literature in individuals affected with VPS13B-related conditions. This sequence change replaces proline, which is neutral and non-polar, with leucine, which is neutral and non-polar, at codon 898 of the VPS13B protein (p.Pro898Leu). This variant is not present in population databases (gnomAD no frequency).

NM_152564.5(VPS13B):c.2693C>T (p.Pro898Leu)

Gene: VPS13B (vacuolar protein sorting 13 homolog B; plus strand). Cytogenetic location: 8q22.2.
Variant type: single nucleotide variant.
Coding change: c.2693C>T on transcript NM_152564.5 (MANE Select); coding-DNA position 2693, C replaced by T.
Protein change: p.Pro898Leu; replaces proline 898 with leucine.
Molecular consequence: missense variant.
Genome position (GRCh38, 1-based): chr8:99,275,123, C>T. VCF-style: chr8-99275123-C-T. GRCh37 (hg19) VCF-style: chr8-100287351-C-T.
Other names: c.2693C>T, p.Pro898Leu (NM_017890.5); short protein forms P898L.
Identifiers: ClinVar variation 1491759 (VCV001491759.6), dbSNP rs1818826321, ClinGen allele CA371862479.